The following is an entry in ClinVar:

ClinVar aggregate classification (germline): Uncertain significance (1 of 4 stars; one submission).

Conditions:
Congenital contractural arachnodactyly (CCA). Also called: BEALS SYNDROME; Beals-Hecht syndrome; Arthrogryposis, distal, type 9. Identifiers: Orphanet 115, MedGen C0220668, MONDO:0007363, OMIM 121050.

gnomAD v4.1: 1 of 1,613,802 alleles (0.000062%); highest among the groups gnomAD compares: Non-Finnish European, 0.000085%; no homozygotes.

Submission:

Labcorp Genetics (formerly Invitae), Labcorp
Classification: Uncertain significance for Congenital contractural arachnodactyly. Last evaluated: 2022-10-27. Review status: criteria provided, single submitter. Criteria: Invitae Variant Classification Sherloc (09022015). Collection method: clinical testing. Allele origin: germline.
Comment: This sequence change replaces aspartic acid, which is acidic and polar, with glutamic acid, which is acidic and polar, at codon 1410 of the FBN2 protein (p.Asp1410Glu). This variant is not present in population databases (gnomAD no frequency). This variant has not been reported in the literature in individuals affected with FBN2-related conditions. Advanced modeling of protein sequence and biophysical properties (such as structural, functional, and spatial information, amino acid conservation, physicochemical variation, residue mobility, and thermodynamic stability) performed at Invitae indicates that this missense variant is expected to disrupt FBN2 protein function. In summary, the available evidence is currently insufficient to determine the role of this variant in disease. Therefore, it has been classified as a Variant of Uncertain Significance.

NM_001999.4(FBN2):c.4230C>A (p.Asp1410Glu)

Gene: FBN2 (fibrillin 2; minus strand). Cytogenetic location: 5q23.3.
Variant type: single nucleotide variant.
Coding change: c.4230C>A on transcript NM_001999.4 (MANE Select); coding-DNA position 4230, C replaced by A.
Protein change: p.Asp1410Glu; replaces aspartic acid 1410 with glutamic acid.
Molecular consequence: missense variant.
Genome position (GRCh38, 1-based): chr5:128,330,688, G>T on the plus strand (C>A on the coding strand, the complement: FBN2 is on the minus strand). VCF-style: chr5-128330688-G-T. GRCh37 (hg19) VCF-style: chr5-127666380-G-T.
Other names: short protein forms D1410E.
Identifiers: ClinVar variation 3014946 (VCV003014946.3), dbSNP rs138289440, ClinGen allele CA360754209.